The following is an entry in ClinVar:

NM_000038.6(APC):c.5376T>C (p.Asn1792=)

Gene: APC (APC regulator of Wnt signaling pathway; plus strand). Cytogenetic location: 5q22.2.
Variant type: single nucleotide variant.
Coding change: c.5376T>C on transcript NM_000038.6 (MANE Select); coding-DNA position 5376, T replaced by C.
Protein change: p.Asn1792=; no amino-acid change (asparagine 1792 retained).
Molecular consequence: synonymous variant.
Genome position (GRCh38, 1-based): chr5:112,840,970, T>C. VCF-style: chr5-112840970-T-C. GRCh37 (hg19) VCF-style: chr5-112176667-T-C.
Other names: c.5376T>C, p.Asn1792= (NM_001127510.3, NM_001354895.2); c.5322T>C, p.Asn1774= (NM_001127511.3); c.5430T>C, p.Asn1810= (NM_001354896.2); c.5406T>C, p.Asn1802= (NM_001354897.2); c.5301T>C, p.Asn1767= (NM_001354898.2); c.5292T>C, p.Asn1764= (NM_001354899.2); c.5253T>C, p.Asn1751= (NM_001354900.2); c.5199T>C, p.Asn1733= (NM_001354901.2); and 5 more.
Identifiers: ClinVar variation 378980 (VCV000378980.60), dbSNP rs76364845, ClinGen allele CA041717.

ClinVar aggregate classification (germline): Benign/Likely benign. Review status: criteria provided, multiple submitters, no conflicts (2 of 4 stars). 6 submissions from 6 submitters: Benign (1); Likely benign (5). Last evaluated 2026-01-13.

Conditions:
Hereditary cancer-predisposing syndrome. Also called: Tumor predisposition; Hereditary neoplastic syndrome; Neoplastic Syndromes, Hereditary; Hereditary Cancer Syndrome. Identifiers: Orphanet 140162, MedGen C0027672, MeSH D009386, MONDO:0015356.
Familial adenomatous polyposis 1 (FAP1). Also called: FAMILIAL ADENOMATOUS POLYPOSIS 1, ATTENUATED; POLYPOSIS, ADENOMATOUS INTESTINAL. Identifiers: MedGen C2713442, MONDO:0021056, OMIM 175100. Disease mechanism: loss of function.

Allele frequency attached by ClinVar (database versions not stated): ExAC 0.00001; gnomAD 0.00001; gnomAD exomes 0.00001; TOPMed 0.00001.
gnomAD v4.1: 12 of 1,612,652 alleles (0.00074%); highest among the groups gnomAD compares: Admixed American, 0.0017%; no homozygotes.

Submissions (6):

Labcorp Genetics (formerly Invitae), Labcorp
Classification: Likely benign for Familial adenomatous polyposis 1. Last evaluated: 2026-01-13. Review status: criteria provided, single submitter. Criteria: Invitae Variant Classification Sherloc (09022015). Collection method: clinical testing. Allele origin: germline.

Myriad Genetics, Inc.
Classification: Benign for Familial adenomatous polyposis 1. Last evaluated: 2024-04-02. Review status: criteria provided, single submitter. Criteria: Myriad Autosomal Dominant, Autosomal Recessive and X-Linked Classification Criteria (2023). Collection method: clinical testing. Allele origin: unknown.
Comment: This variant is considered benign. This variant is a silent/synonymous amino acid change and it is not expected to impact splicing.

Women's Health and Genetics/Laboratory Corporation of America, LabCorp
Classification: Likely benign. Last evaluated: 2022-05-09. Review status: criteria provided, single submitter. Criteria: LabCorp Variant Classification Summary - May 2015. Collection method: clinical testing. Allele origin: germline.

GeneDx
Classification: Likely benign. Last evaluated: 2019-12-20. Review status: criteria provided, single submitter. Criteria: GeneDx Variant Classification Process June 2021. Collection method: clinical testing. Allele origin: germline. Affected: yes.

Color Diagnostics, LLC DBA Color Health
Classification: Likely benign for Hereditary cancer-predisposing syndrome. Last evaluated: 2018-06-11. Review status: criteria provided, single submitter. Criteria: ACMG Guidelines, 2015. Collection method: clinical testing. Allele origin: germline.

Ambry Genetics
Classification: Likely benign for Hereditary cancer-predisposing syndrome. Last evaluated: 2016-01-07. Review status: criteria provided, single submitter. Criteria: Ambry Variant Classification Scheme 2023. Collection method: clinical testing. Allele origin: germline.